The following is an entry in ClinVar:

ClinVar aggregate classification (germline): Uncertain significance (1 of 4 stars; one submission).

Conditions:
DICER1-related tumor predisposition. Also called: DICER1-related pleuropulmonary blastoma cancer predisposition syndrome; DICER1 syndrome. Identifiers: Orphanet 284343, MedGen C3839822, MONDO:0100216.

Submission:

Labcorp Genetics (formerly Invitae), Labcorp
Classification: Uncertain significance for DICER1-related tumor predisposition. Last evaluated: 2023-11-17. Review status: criteria provided, single submitter. Criteria: Invitae Variant Classification Sherloc (09022015). Collection method: clinical testing. Allele origin: germline.
Comment: This sequence change replaces glutamic acid, which is acidic and polar, with glutamine, which is neutral and polar, at codon 1423 of the DICER1 protein (p.Glu1423Gln). This variant is not present in population databases (gnomAD no frequency). This variant has not been reported in the literature in individuals affected with DICER1-related conditions. An algorithm developed to predict the effect of missense changes on protein structure and function (PolyPhen-2) suggests that this variant is likely to be disruptive. In summary, the available evidence is currently insufficient to determine the role of this variant in disease. Therefore, it has been classified as a Variant of Uncertain Significance.

NM_177438.3(DICER1):c.4267G>C (p.Glu1423Gln)

Gene: DICER1 (dicer 1, ribonuclease III; minus strand). Cytogenetic location: 14q32.13.
Variant type: single nucleotide variant.
Coding change: c.4267G>C on transcript NM_177438.3 (MANE Select); coding-DNA position 4267, G replaced by C.
Protein change: p.Glu1423Gln; replaces glutamic acid 1423 with glutamine.
Molecular consequence: missense variant. On other transcripts: non-coding transcript variant (6).
Genome position (GRCh38, 1-based): chr14:95,096,653, C>G on the plus strand (G>C on the coding strand, the complement: DICER1 is on the minus strand). VCF-style: chr14-95096653-C-G. GRCh37 (hg19) VCF-style: chr14-95562990-C-G.
Other names: c.4267G>C, p.Glu1423Gln (NM_001195573.1, NM_001271282.3, NM_001291628.2 and 13 more transcripts); c.3985G>C, p.Glu1329Gln (NM_001395686.1); c.3862G>C, p.Glu1288Gln (NM_001395687.1, NM_001395688.1, NM_001395689.1 and 2 more transcripts); c.3700G>C, p.Glu1234Gln (NM_001395691.1); c.2584G>C, p.Glu862Gln (NM_001395697.1); short protein forms E1234Q, E1423Q, E1329Q, E1288Q, E862Q.
Identifiers: ClinVar variation 2696552 (VCV002696552.2), dbSNP rs1021066468, ClinGen allele CA390869625.
Genomic context (GRCh38, chr14:95,096,653, plus strand): 5'-GGAAATCATCTTCATAGTCAGCCTCTTCCTTCGGAGCCCTCCACATCAGGCTCTCCTCCT[C>G]CTCATCCTCCTCCTCGTAATCCTCATCCAGTTTGCCATTCGCCAGCATGCAGTCTTTTGT-3'
Protein context (NP_803187.1, residues 1413-1433): LDEDYEEEDE[Glu1423Gln]EESLMWRAPK